The following is an entry in ClinVar:

ClinVar aggregate classification (germline): Uncertain significance (1 of 4 stars; one submission).

Allele frequency attached by ClinVar (database versions not stated): gnomAD exomes below 0.00001; TOPMed below 0.00001.
gnomAD v4.1: 1 of 1,614,074 alleles (0.000062%); highest among the groups gnomAD compares: Non-Finnish European, 0.000085%; no homozygotes.

Submission:

Labcorp Genetics (formerly Invitae), Labcorp
Classification: Uncertain significance. Last evaluated: 2022-03-16. Review status: criteria provided, single submitter. Criteria: Invitae Variant Classification Sherloc (09022015). Collection method: clinical testing. Allele origin: germline.
Comment: In summary, the available evidence is currently insufficient to determine the role of this variant in disease. Therefore, it has been classified as a Variant of Uncertain Significance. Algorithms developed to predict the effect of missense changes on protein structure and function (SIFT, PolyPhen-2, Align-GVGD) all suggest that this variant is likely to be disruptive. This variant has not been reported in the literature in individuals affected with ADIPOR1-related conditions. This variant is present in population databases (no rsID available, gnomAD 0.0009%). This sequence change replaces asparagine, which is neutral and polar, with serine, which is neutral and polar, at codon 107 of the ADIPOR1 protein (p.Asn107Ser).

NM_015999.6(ADIPOR1):c.320A>G (p.Asn107Ser)

Gene: ADIPOR1 (adiponectin receptor 1; minus strand). Cytogenetic location: 1q32.1.
Variant type: single nucleotide variant.
Coding change: c.320A>G on transcript NM_015999.6 (MANE Select); coding-DNA position 320, A replaced by G.
Protein change: p.Asn107Ser; replaces asparagine 107 with serine.
Molecular consequence: missense variant.
Genome position (GRCh38, 1-based): chr1:202,946,549, T>C on the plus strand (A>G on the coding strand, the complement: ADIPOR1 is on the minus strand). VCF-style: chr1-202946549-T-C. GRCh37 (hg19) VCF-style: chr1-202915677-T-C.
Other names: c.320A>G, p.Asn107Ser (NM_001290553.2, NM_001290557.1, NM_001290629.1); short protein forms N107S.
Identifiers: ClinVar variation 1465491 (VCV001465491.6), dbSNP rs1419320091, ClinGen allele CA344282362.